The following is an entry in ClinVar:

NM_003982.4(SLC7A7):c.895-2_895delinsCCATT

Gene: SLC7A7 (solute carrier family 7 member 7; minus strand). Cytogenetic location: 14q11.2.
Variant type: Indel.
Coding change: c.895-2_895delinsCCATT on transcript NM_003982.4 (MANE Select); the canonical splice acceptor site of the intron before coding-DNA position 895 through coding-DNA position 895, AGA replaced by CCATT.
Molecular consequence: splice acceptor variant.
Genome position (GRCh38, 1-based): chr14:22,775,936-22,775,938, TCT replaced by AATGG on the plus strand (AGA replaced by CCATT on the coding strand, the reverse complement: SLC7A7 is on the minus strand). VCF-style: chr14-22775936-TCT-AATGG. GRCh37 (hg19) VCF-style: chr14-23245145-TCT-AATGG.
Other names: c.895-2_895delinsCCATT (NM_001126106.4, NM_001126105.3).
Identifiers: ClinVar variation 646821 (VCV000646821.1), dbSNP rs1594944871, ClinGen allele CA915948845.

ClinVar aggregate classification (germline): Pathogenic (1 of 4 stars; one submission).

Conditions:
Lysinuric protein intolerance (LPI). Identifiers: Orphanet 470, MedGen C0268647, MONDO:0009109, OMIM 222700.

Submission:

Labcorp Genetics (formerly Invitae), Labcorp
Classification: Pathogenic for Lysinuric protein intolerance. Last evaluated: 2019-01-09. Review status: criteria provided, single submitter. Criteria: Invitae Variant Classification Sherloc (09022015). Collection method: clinical testing. Allele origin: germline.
Comment: This sequence change affects an acceptor splice site in intron 6 of the SLC7A7 gene. It is expected to disrupt RNA splicing and likely results in an absent or disrupted protein product. This variant is not present in population databases (ExAC no frequency). Disruption of this splice site has been observed in individuals affected withÂ¬â€ lysinuric protein intolerance (PMID:Â¬â€ 10080183, 17666782). Algorithms developed to predict the effect of sequence changes on RNA splicing suggest that this variant may disrupt the consensus splice site, but this prediction has not been confirmed by published transcriptional studies. Donor and acceptor splice site variants typically lead to a loss of protein function (PMID: 16199547), and loss-of-function variants in SLC7A7 are known to be pathogenic (PMID: 10631139, 17764084). For these reasons, this variant has been classified as Pathogenic.

Literature cited by the submitters: PubMed 10631139; PubMed 17764084.